The following is an entry in ClinVar:

ClinVar aggregate classification (germline): Benign. Review status: criteria provided, multiple submitters, no conflicts (2 of 4 stars). 11 submissions from 11 submitters: Benign (9). 2 of the submissions do not count toward it. Last evaluated 2026-06-12.

Conditions:
Hereditary spastic paraplegia 7 (SPG7). Also called: Spastic paraplegia 7; Hereditary spastic paraplegia Paraplegin type; SPG7-related neurologic disorder; Autosomal recessive spastic paraplegia type 7; SPASTIC PARAPLEGIA 7, AUTOSOMAL RECESSIVE, WITH OR WITHOUT CEREBELLAR ATAXIA. Identifiers: Orphanet 99013, MedGen C1846564, MONDO:0011803, OMIM 607259.

Allele frequency attached by ClinVar (database versions not stated): ESP Exome Variant Server 0.43652; gnomAD exomes 0.44664 and 0.47524; gnomAD 0.45572 and 0.46240; TOPMed 0.46114; ExAC 0.47715; 1000 Genomes Project 0.52935.
gnomAD v4.1: 721,264 of 1,604,872 alleles (45%); highest among the groups gnomAD compares: East Asian, 69%; 165,514 homozygotes.

Submissions (11):

Women's Health and Genetics/Laboratory Corporation of America, LabCorp
Classification: Benign. Last evaluated: 2026-06-12. Review status: criteria provided, single submitter. Criteria: LabCorp Variant Classification Summary - May 2015. Collection method: clinical testing. Allele origin: germline.

Labcorp Genetics (formerly Invitae), Labcorp
Classification: Benign for Hereditary spastic paraplegia 7. Last evaluated: 2026-02-04. Review status: criteria provided, single submitter. Criteria: Invitae Variant Classification Sherloc (09022015). Collection method: clinical testing. Allele origin: germline.

Blueprint Genetics
Classification: Benign. Last evaluated: 2024-11-27. Review status: criteria provided, single submitter. Criteria: ACMG Guidelines, 2015. Collection method: clinical testing. Allele origin: germline.

Genome-Nilou Lab
Classification: Benign for Hereditary spastic paraplegia 7. Last evaluated: 2021-07-15. Review status: criteria provided, single submitter. Criteria: ACMG Guidelines, 2015. Collection method: clinical testing. Allele origin: germline. Affected: no.

Illumina Laboratory Services, Illumina
Classification: Benign for Hereditary spastic paraplegia 7. Last evaluated: 2018-01-12. Review status: criteria provided, single submitter. Criteria: ICSL Variant Classification Criteria 13 December 2019. Collection method: clinical testing. Allele origin: germline.
Comment: This variant was observed in the ICSL laboratory as part of a predisposition screen in an ostensibly healthy population. It had not been previously curated by ICSL or reported in the Human Gene Mutation Database (HGMD: prior to June 1st, 2018), and was therefore a candidate for classification through an automated scoring system. Utilizing variant allele frequency, disease prevalence and penetrance estimates, and inheritance mode, an automated score was calculated to assess if this variant is too frequent to cause the disease. Based on the score and internal cut-off values, a variant classified as benign is not then subjected to further curation. The score for this variant resulted in a classification of benign for this disease.

Clinical Genetics DNA and cytogenetics Diagnostics Lab, Erasmus MC, Erasmus Medical Center
Classification: Benign for Hereditary spastic paraplegia 7. Last evaluated: 2017-03-27. Review status: criteria provided, single submitter. Criteria: ACGS Guidelines, 2013. Collection method: clinical testing. Allele origin: germline. Affected: yes. Study: VKGL Data-share Consensus.

GeneDx
Classification: Benign. Last evaluated: 2015-03-03. Review status: criteria provided, single submitter. Criteria: GeneDx Variant Classification Process June 2021. Collection method: clinical testing. Allele origin: germline. Affected: yes.

Breakthrough Genomics
Classification: Benign. Review status: criteria provided, single submitter. Criteria: ACMG Guidelines, 2015. Collection method: not provided. Allele origin: germline. Inheritance: Autosomal recessive inheritance. Affected: yes.

PreventionGenetics, part of Exact Sciences
Classification: Benign. Review status: criteria provided, single submitter. Criteria: ACMG Guidelines, 2015. Collection method: clinical testing. Allele origin: germline.

Diagnostic Laboratory, Department of Genetics, University Medical Center Groningen
Classification: Benign for Hereditary spastic paraplegia 7. Review status: no assertion criteria provided. Collection method: clinical testing. Allele origin: germline. Affected: yes. Study: VKGL Data-share Consensus. Not counted in ClinVar's aggregate classification.

Joint Genome Diagnostic Labs from Nijmegen and Maastricht, Radboudumc and MUMC+
Classification: Benign. Review status: no assertion criteria provided. Collection method: clinical testing. Allele origin: germline. Affected: yes. Study: VKGL Data-share Consensus. Not counted in ClinVar's aggregate classification.

NM_003119.4(SPG7):c.618+12T>C

Gene: SPG7 (SPG7 matrix AAA peptidase subunit, paraplegin; plus strand). Cytogenetic location: 16q24.3.
Variant type: single nucleotide variant.
Coding change: c.618+12T>C on transcript NM_003119.4 (MANE Select); 12 bases into the intron after coding-DNA position 618, T replaced by C.
Molecular consequence: intron variant.
Genome position (GRCh38, 1-based): chr16:89,524,259, T>C. VCF-style: chr16-89524259-T-C. GRCh37 (hg19) VCF-style: chr16-89590667-T-C.
Other names: c.618+12T>C (NM_001363850.1, NM_199367.3).
Identifiers: ClinVar variation 258910 (VCV000258910.23), dbSNP rs3803679, ClinGen allele CA8243689.